The following is an entry in ClinVar:

NM_012309.5(SHANK2):c.553C>T (p.Arg185Ter)

Gene: SHANK2 (SH3 and multiple ankyrin repeat domains 2; minus strand). Cytogenetic location: 11q13.4.
Variant type: single nucleotide variant.
Coding change: c.553C>T on transcript NM_012309.5 (MANE Select); coding-DNA position 553, C replaced by T.
Protein change: p.Arg185Ter; replaces arginine 185 with a stop codon.
Molecular consequence: nonsense.
Genome position (GRCh38, 1-based): chr11:71,109,980, G>A on the plus strand (C>T on the coding strand, the complement: SHANK2 is on the minus strand). VCF-style: chr11-71109980-G-A. GRCh37 (hg19) VCF-style: chr11-70821026-G-A.
Other names: short protein forms R185*.
Identifiers: ClinVar variation 3377203 (VCV003377203.1).
Genomic context (GRCh38, chr11:71,109,980, plus strand): 5'-TCCCCTCTAGCAAGTGCTCACCTCCGGTCTCCGGGTCGTGGAAATTGGGATCCAGGCCTC[G>A]GTCCAGCATCTTGGTGATCTTCTCCACCAAGCGATGCTGAATGTGATCCATGCATTTCTT-3'

ClinVar aggregate classification (germline): Pathogenic. Review status: criteria provided, multiple submitters, no conflicts (2 of 4 stars). 2 submissions from 2 submitters: Pathogenic (2). Last evaluated 2026-01-11.

Conditions:
Autism, susceptibility to, 17. Also called: Autism susceptibility 17. Identifiers: MedGen C3150693, MONDO:0013265, OMIM 613436.
Complex neurodevelopmental disorder. Identifiers: Orphanet 528084, MedGen C5568766, MONDO:0100038.

gnomAD v4.1: 13 of 1,551,514 alleles (0.00084%); highest among the groups gnomAD compares: African/African-American, 0.0014%; no homozygotes.

Submissions (2):

Variantyx, Inc.
Classification: Pathogenic for Autism, susceptibility to, 17. Last evaluated: 2026-01-11. Review status: criteria provided, single submitter. Criteria: Variantyx Assertion Criteria 2022. Collection method: clinical testing. Allele origin: germline. Inheritance: Autosomal dominant inheritance. Affected: no.
Comment: This is a nonsense variant in the SHANK2 gene (OMIM: 603290). Pathogenic variants in this gene have been associated with autosomal dominant susceptibility to autism 17. This variant introduces a premature termination codon in exon 6 out of 26 and is expected to result in loss of function, which is a known disease mechanism for SHANK2 in this disorder (PMID: 38958063, 33004838) (PVS1). This variant has been reported in at least two affected individuals (PMID: 33004838, 38958063) (PS4). It has a 0.0014% maximum allele frequency in non-founder control populations (PM2). Based on the current evidence, this variant is classified as pathogenic for autosomal dominant susceptibility to autism 17.

Victorian Clinical Genetics Services, Murdoch Childrens Research Institute
Classification: Pathogenic for Complex neurodevelopmental disorder. Last evaluated: 2024-10-08. Review status: criteria provided, single submitter. Criteria: ACMG Guidelines, 2015. Collection method: clinical testing. Allele origin: germline. Inheritance: Autosomal dominant inheritance. Affected: yes.
Comment: Based on the classification scheme VCGS_Germline_v1.3.4, this variant is classified as Pathogenic. Following criteria are met: 0102 - Loss of function is a known mechanism of disease in this gene and is associated with complex neurodevelopmental disorder (MONDO:0100038), SHANK2-related. (I) 0107 - This gene is associated with autosomal dominant disease. (I) 0112 - The condition associated with this gene has incomplete penetrance (OMIM) . (I) 0201 - Variant is predicted to cause nonsense-mediated decay (NMD) and loss of protein (premature termination codon is located at least 54 nucleotides upstream of the final exon-exon junction). (SP) 0251 - This variant is heterozygous. (I) 0302 - Variant is present in gnomAD (v3) <0.001 for a dominant condition (2 heterozygotes, 0 homozygotes). (SP) 0701 - Other NMD-predicted variants comparable to the one identified in this case have very strong previous evidence for pathogenicity. Many NMD-predicted variants have been reported as pathogenic (ClinVar). (SP) 0807 - This variant has no previous evidence of pathogenicity. (I) 0905 - No published segregation evidence has been identified for this variant. (I) 1007 - No published functional evidence has been identified for this variant. (I) Legend: (SP) - Supporting pathogenic, (I) - Information, (SB) - Supporting benign

Literature cited by the submitters: PubMed 38958063 (cited by Variantyx, Inc.); PubMed 33004838 (cited by Variantyx, Inc.).